The following is an entry in ClinVar:

NM_006206.6(PDGFRA):c.1679G>A (p.Arg560Lys)

Gene: PDGFRA (platelet derived growth factor receptor alpha; plus strand). Cytogenetic location: 4q12.
Variant type: single nucleotide variant.
Coding change: c.1679G>A on transcript NM_006206.6 (MANE Select); coding-DNA position 1679, G replaced by A.
Protein change: p.Arg560Lys; replaces arginine 560 with lysine.
Molecular consequence: missense variant.
Genome position (GRCh38, 1-based): chr4:54,274,866, G>A. VCF-style: chr4-54274866-G-A. GRCh37 (hg19) VCF-style: chr4-55141033-G-A.
Other names: c.1679G>A, p.Arg560Lys (NM_001347827.2, NM_001347829.2); c.1754G>A, p.Arg585Lys (NM_001347828.2); c.1718G>A, p.Arg573Lys (NM_001347830.2); short protein forms R560K, R573K, R585K.
Identifiers: ClinVar variation 998550 (VCV000998550.12), dbSNP rs1723631222, ClinGen allele CA356893070.

ClinVar aggregate classification (germline): Uncertain significance. Review status: criteria provided, multiple submitters, no conflicts (2 of 4 stars). 2 submissions from 2 submitters: Uncertain significance (2). Last evaluated 2024-08-28.

Conditions:
Gastrointestinal stromal tumor. Also called: Gastrointestinal stromal tumor, somatic; Gastrointestinal stroma tumor. Identifiers: Orphanet 44890, MedGen C0238198, MeSH D046152, MONDO:0011719, OMIM 606764, HP:0100723.
Hereditary cancer-predisposing syndrome. Also called: Neoplastic Syndromes, Hereditary; Hereditary Cancer Syndrome; Hereditary neoplastic syndrome; Tumor predisposition. Identifiers: Orphanet 140162, MedGen C0027672, MeSH D009386, MONDO:0015356.

Allele frequency attached by ClinVar (database versions not stated): gnomAD exomes below 0.00001.
gnomAD v4.1: 1 of 1,614,064 alleles (0.000062%); highest among the groups gnomAD compares: Non-Finnish European, 0.000085%; no homozygotes.

Submissions (2):

Ambry Genetics
Classification: Uncertain significance for Hereditary cancer-predisposing syndrome. Last evaluated: 2024-08-28. Review status: criteria provided, single submitter. Criteria: Ambry Variant Classification Scheme 2023. Collection method: clinical testing. Allele origin: germline.
Comment: The p.R560K variant (also known as c.1679G>A), located in coding exon 11 of the PDGFRA gene, results from a G to A substitution at nucleotide position 1679. The arginine at codon 560 is replaced by lysine, an amino acid with highly similar properties. This amino acid position is well conserved in available vertebrate species. In addition, the in silico prediction for this alteration is inconclusive. Since supporting evidence is limited at this time, the clinical significance of this alteration remains unclear.

Labcorp Genetics (formerly Invitae), Labcorp
Classification: Uncertain significance for Gastrointestinal stromal tumor. Last evaluated: 2024-06-24. Review status: criteria provided, single submitter. Criteria: Invitae Variant Classification Sherloc (09022015). Collection method: clinical testing. Allele origin: germline.
Comment: This sequence change replaces arginine, which is basic and polar, with lysine, which is basic and polar, at codon 560 of the PDGFRA protein (p.Arg560Lys). This variant is not present in population databases (gnomAD no frequency). This variant has not been reported in the literature in individuals affected with PDGFRA-related conditions. ClinVar contains an entry for this variant (Variation ID: 998550). An algorithm developed to predict the effect of missense changes on protein structure and function (PolyPhen-2) suggests that this variant is likely to be disruptive. In summary, the available evidence is currently insufficient to determine the role of this variant in disease. Therefore, it has been classified as a Variant of Uncertain Significance.